The following is an entry in ClinVar:

ClinVar aggregate classification (germline): Likely benign (1 of 4 stars; one submission).

gnomAD v4.1: 3 of 1,613,018 alleles (0.00019%); highest among the groups gnomAD compares: Admixed American, 0.005%; no homozygotes.

Submission:

CeGaT Center for Human Genetics Tuebingen
Classification: Likely benign. Last evaluated: 2025-08-01. Review status: criteria provided, single submitter. Criteria: CeGaT Center For Human Genetics Tuebingen Variant Classification Criteria Version 2. Collection method: clinical testing. Allele origin: germline. Affected: yes. Observed: 1 variant allele.
Comment: P4HA2: BP4, BP7

NM_001017974.2(P4HA2):c.1095C>A (p.Thr365=)

Gene: P4HA2 (prolyl 4-hydroxylase subunit alpha 2; minus strand). Cytogenetic location: 5q31.1.
Variant type: single nucleotide variant.
Coding change: c.1095C>A on transcript NM_001017974.2 (MANE Select); coding-DNA position 1095, C replaced by A.
Protein change: p.Thr365=; no amino-acid change (threonine 365 retained).
Molecular consequence: synonymous variant.
Genome position (GRCh38, 1-based): chr5:132,204,138, G>T on the plus strand (C>A on the coding strand, the complement: P4HA2 is on the minus strand). VCF-style: chr5-132204138-G-T. GRCh37 (hg19) VCF-style: chr5-131539831-G-T.
Other names: c.1095C>A, p.Thr365= (NM_001142598.2, NM_001142599.2, NM_001365677.2 and 4 more transcripts); c.918C>A, p.Thr306= (NM_001365681.2).
Identifiers: ClinVar variation 4084625 (VCV004084625.8).
Genomic context (GRCh38, chr5:132,204,138, plus strand): 5'-TTACCTTTTGGAAACCCGGTAGCTGGCGACAGTGAGGACTCCTGTCTTGGGATCACGAAC[G>T]GTGGCTCGTGCAAGCTAGAAGGAAGGAGGAGAGGGAAGACTTGATTTGTTTGTTTGTTTG-3'
Protein context (NP_001017974.1, residues 355-375): EIAKPKLARA[Thr365=]VRDPKTGVLT